The following is an entry in ClinVar:

ClinVar aggregate classification (germline): Uncertain significance. Review status: criteria provided, multiple submitters, no conflicts (2 of 4 stars). 3 submissions from 3 submitters: Uncertain significance (3). Last evaluated 2024-08-12.

Conditions:
Hereditary cancer-predisposing syndrome. Also called: Tumor predisposition; Neoplastic Syndromes, Hereditary; Hereditary neoplastic syndrome; Hereditary Cancer Syndrome. Identifiers: Orphanet 140162, MedGen C0027672, MeSH D009386, MONDO:0015356.

Submissions (3):

Ambry Genetics
Classification: Uncertain significance. Last evaluated: 2024-08-12. Review status: criteria provided, single submitter. Criteria: Ambry Variant Classification Scheme 2023. Collection method: clinical testing. Allele origin: germline.
Comment: The p.L28F variant (also known as c.82C>T), located in coding exon 2 of the RECQL gene, results from a C to T substitution at nucleotide position 82. The leucine at codon 28 is replaced by phenylalanine, an amino acid with highly similar properties. This amino acid position is conserved. In addition, the in silico prediction for this alteration is inconclusive. Since supporting evidence is limited at this time, the clinical significance of this alteration remains unclear.

Labcorp Genetics (formerly Invitae), Labcorp
Classification: Uncertain significance. Last evaluated: 2023-03-30. Review status: criteria provided, single submitter. Criteria: Invitae Variant Classification Sherloc (09022015). Collection method: clinical testing. Allele origin: germline.
Comment: This sequence change replaces leucine, which is neutral and non-polar, with phenylalanine, which is neutral and non-polar, at codon 28 of the RECQL protein (p.Leu28Phe). This variant is not present in population databases (gnomAD no frequency). This variant has not been reported in the literature in individuals affected with RECQL-related conditions. ClinVar contains an entry for this variant (Variation ID: 584826). An algorithm developed to predict the effect of missense changes on protein structure and function (PolyPhen-2) suggests that this variant is likely to be disruptive. In summary, the available evidence is currently insufficient to determine the role of this variant in disease. Therefore, it has been classified as a Variant of Uncertain Significance.

Mendelics
Classification: Uncertain significance for Hereditary cancer-predisposing syndrome. Last evaluated: 2018-07-02. Review status: criteria provided, single submitter. Criteria: Mendelics Assertion Criteria 2017. Collection method: clinical testing. Allele origin: unknown.

NM_002907.4(RECQL):c.82C>T (p.Leu28Phe)

Gene: RECQL (RecQ like helicase; minus strand). Cytogenetic location: 12p12.1.
Variant type: single nucleotide variant.
Coding change: c.82C>T on transcript NM_002907.4 (MANE Select); coding-DNA position 82, C replaced by T.
Protein change: p.Leu28Phe; replaces leucine 28 with phenylalanine.
Molecular consequence: missense variant.
Genome position (GRCh38, 1-based): chr12:21,491,651, G>A on the plus strand (C>T on the coding strand, the complement: RECQL is on the minus strand). VCF-style: chr12-21491651-G-A. GRCh37 (hg19) VCF-style: chr12-21644585-G-A.
Other names: c.82C>T, p.Leu28Phe (NM_032941.3); short protein forms L28F.
Identifiers: ClinVar variation 584826 (VCV000584826.8), dbSNP rs1565574166, ClinGen allele CA384134602.